The following is an entry in ClinVar:

NM_000398.7(CYB5R3):c.548-13G>A

Gene: CYB5R3 (cytochrome b5 reductase 3; minus strand). Cytogenetic location: 22q13.2.
Variant type: single nucleotide variant.
Coding change: c.548-13G>A on transcript NM_000398.7 (MANE Select); 13 bases into the intron before coding-DNA position 548, G replaced by A.
Molecular consequence: intron variant.
Genome position (GRCh38, 1-based): chr22:42,627,402, C>T on the plus strand (G>A on the coding strand, the complement: CYB5R3 is on the minus strand). VCF-style: chr22-42627402-C-T. GRCh37 (hg19) VCF-style: chr22-43023408-C-T.
Other names: c.479-13G>A (NM_007326.4, NM_001171661.1, NM_001129819.2); c.647-13G>A (NM_001171660.2).
Identifiers: ClinVar variation 994148 (VCV000994148.29), dbSNP rs573516374, ClinGen allele CA10269664.

ClinVar aggregate classification (germline): Uncertain significance. Review status: criteria provided, multiple submitters, no conflicts (2 of 4 stars). 3 submissions from 3 submitters: Uncertain significance (3). Last evaluated 2024-08-13.

Allele frequency attached by ClinVar (database versions not stated): TOPMed 0.00007.
gnomAD v4.1: 112 of 1,612,788 alleles (0.0069%); highest among the groups gnomAD compares: Admixed American, 0.022%; no homozygotes.

Submissions (3):

Labcorp Genetics (formerly Invitae), Labcorp
Classification: Uncertain significance. Last evaluated: 2024-08-13. Review status: criteria provided, single submitter. Criteria: Invitae Variant Classification Sherloc (09022015). Collection method: clinical testing. Allele origin: germline.
Comment: This sequence change falls in intron 6 of the CYB5R3 gene. It does not directly change the encoded amino acid sequence of the CYB5R3 protein. This variant is present in population databases (rs573516374, gnomAD 0.02%). This variant has not been reported in the literature in individuals affected with CYB5R3-related conditions. ClinVar contains an entry for this variant (Variation ID: 994148). Algorithms developed to predict the effect of sequence changes on RNA splicing suggest that this variant may disrupt the consensus splice site. In summary, the available evidence is currently insufficient to determine the role of this variant in disease. Therefore, it has been classified as a Variant of Uncertain Significance.

CeGaT Center for Human Genetics Tuebingen
Classification: Uncertain significance. Last evaluated: 2024-07-01. Review status: criteria provided, single submitter. Criteria: CeGaT Center For Human Genetics Tuebingen Variant Classification Criteria Version 2. Collection method: clinical testing. Allele origin: germline. Affected: yes. Observed: 1 variant allele.

ARUP Laboratories, Molecular Genetics and Genomics, ARUP Laboratories
Classification: Uncertain significance. Last evaluated: 2020-04-30. Review status: criteria provided, single submitter. Criteria: ARUP Molecular Germline Variant Investigation Process. Collection method: clinical testing. Allele origin: germline.